The following is an entry in ClinVar:

ClinVar aggregate classification (germline): Uncertain significance. Review status: criteria provided, multiple submitters, no conflicts (2 of 4 stars). 2 submissions from 2 submitters: Uncertain significance (2). Last evaluated 2024-10-29.

gnomAD v4.1: 1 of 1,614,144 alleles (0.000062%); no homozygotes.

Submissions (2):

Labcorp Genetics (formerly Invitae), Labcorp
Classification: Uncertain significance. Last evaluated: 2024-10-29. Review status: criteria provided, single submitter. Criteria: Invitae Variant Classification Sherloc (09022015). Collection method: clinical testing. Allele origin: germline.
Comment: This sequence change replaces proline, which is neutral and non-polar, with leucine, which is neutral and non-polar, at codon 572 of the PCK2 protein (p.Pro572Leu). This variant is not present in population databases (gnomAD no frequency). This variant has not been reported in the literature in individuals affected with PCK2-related conditions. Invitae Evidence Modeling of protein sequence and biophysical properties (such as structural, functional, and spatial information, amino acid conservation, physicochemical variation, residue mobility, and thermodynamic stability) indicates that this missense variant is not expected to disrupt PCK2 protein function with a negative predictive value of 80%. In summary, the available evidence is currently insufficient to determine the role of this variant in disease. Therefore, it has been classified as a Variant of Uncertain Significance.

Ambry Genetics
Classification: Uncertain significance. Last evaluated: 2024-08-29. Review status: criteria provided, single submitter. Criteria: Ambry Variant Classification Scheme 2023. Collection method: clinical testing. Allele origin: germline.

NM_004563.4(PCK2):c.1715C>T (p.Pro572Leu)

Genes: NRL (neural retina leucine zipper; minus strand), PCK2 (phosphoenolpyruvate carboxykinase 2, mitochondrial; plus strand). Cytogenetic location: 14q12.
Variant type: single nucleotide variant.
Coding change: c.1715C>T on transcript NM_004563.4 (MANE Select); coding-DNA position 1715, C replaced by T.
Protein change: p.Pro572Leu; replaces proline 572 with leucine.
Molecular consequence: missense variant. On other transcripts: intron variant (3).
Genome position (GRCh38, 1-based): chr14:24,103,756, C>T. VCF-style: chr14-24103756-C-T. GRCh37 (hg19) VCF-style: chr14-24572965-C-T.
Other names: c.1313C>T, p.Pro438Leu (NM_001291556.2, NM_001308054.2); c.-28+10966G>A (NM_001354768.3, NM_001354770.2); c.-254+10966G>A (NM_006177.5); short protein forms P438L, P572L.
Identifiers: ClinVar variation 3415740 (VCV003415740.3).
Genomic context (GRCh38, chr14:24,103,756, plus strand): 5'-CTCGGGTGCTAGACTGGATCTGCCGGCGGTTAGAGGGGGAGGACAGTGCCCGAGAGACAC[C>T]CATTGGGCTGGTGCCAAAGGAAGGAGCCTTGGATCTCAGCGGCCTCAGAGCTATAGACAC-3'
Protein context (NP_004554.3, residues 562-582): LEGEDSARET[Pro572Leu]IGLVPKEGAL